The following is an entry in ClinVar:

ClinVar aggregate classification (germline): Likely benign (1 of 4 stars; one submission).

Conditions:
UGT1A1-related disorder. Also called: UGT1A1-related disorders; UGT1A1-related condition.

gnomAD v4.1: 2 of 152,238 alleles (0.0013%); highest among the groups gnomAD compares: Non-Finnish European, 0.0029%; no homozygotes.

Submission:

PreventionGenetics, part of Exact Sciences
Classification: Likely benign for UGT1A1-related condition. Last evaluated: 2025-10-30. Review status: criteria provided, single submitter. Criteria: ACMG Guidelines, 2015. Collection method: clinical testing. Allele origin: germline.
Comment: This variant is classified as likely benign based on ACMG/AMP sequence variant interpretation guidelines (Richards et al. 2015 PMID: 25741868, with internal and published modifications).

NC_000002.12:g.233758934A>T

Genes: UGT1A (UDP glucuronosyltransferase family 1 member A complex locus; plus strand), UGT1A1 (UDP glucuronosyltransferase family 1 member A1; plus strand), UGT1A10 (UDP glucuronosyltransferase family 1 member A10; plus strand), UGT1A3 (UDP glucuronosyltransferase family 1 member A3; plus strand), UGT1A4 (UDP glucuronosyltransferase family 1 member A4; plus strand) and 5 more. Cytogenetic location: 2q37.1.
Variant type: single nucleotide variant.
Molecular consequence: intron variant (on NM_019076.5).
Genome position: GRCh38 VCF-style: chr2-233758934-A-T. GRCh37 (hg19) VCF-style: chr2-234667580-A-T.
Other names: c.856-8100A>T (NM_019076.5, NM_019075.4, NM_021027.3 and 1 more transcripts); c.61-8100A>T (NM_205862.3); c.862-8100A>T (NM_001072.4); c.868-8100A>T (NM_019078.2, NM_007120.3, NM_019093.4).
Identifiers: ClinVar variation 4988562 (VCV004988562.1).